The following is an entry in ClinVar:

ClinVar aggregate classification (germline): Uncertain significance (1 of 4 stars; one submission).

Submission:

Labcorp Genetics (formerly Invitae), Labcorp
Classification: Uncertain significance. Last evaluated: 2024-04-01. Review status: criteria provided, single submitter. Criteria: Invitae Variant Classification Sherloc (09022015). Collection method: clinical testing. Allele origin: germline.
Comment: This sequence change replaces methionine, which is neutral and non-polar, with valine, which is neutral and non-polar, at codon 553 of the CLCN4 protein (p.Met553Val). This variant is not present in population databases (gnomAD no frequency). This variant has not been reported in the literature in individuals affected with CLCN4-related conditions. Advanced modeling of protein sequence and biophysical properties (such as structural, functional, and spatial information, amino acid conservation, physicochemical variation, residue mobility, and thermodynamic stability) performed at Invitae indicates that this missense variant is expected to disrupt CLCN4 protein function with a positive predictive value of 95%. In summary, the available evidence is currently insufficient to determine the role of this variant in disease. Therefore, it has been classified as a Variant of Uncertain Significance.

NM_001830.4(CLCN4):c.1657A>G (p.Met553Val)

Gene: CLCN4 (chloride voltage-gated channel 4; plus strand). Cytogenetic location: Xp22.2.
Variant type: single nucleotide variant.
Coding change: c.1657A>G on transcript NM_001830.4 (MANE Select); coding-DNA position 1657, A replaced by G.
Protein change: p.Met553Val; replaces methionine 553 with valine.
Molecular consequence: missense variant.
Genome position (GRCh38, 1-based): chrX:10,213,761, A>G. VCF-style: chrX-10213761-A-G. GRCh37 (hg19) VCF-style: chrX-10181801-A-G.
Other names: c.1375A>G, p.Met459Val (NM_001256944.2); short protein forms M459V, M553V.
Identifiers: ClinVar variation 3648298 (VCV003648298.2).